The following is an entry in ClinVar:

ClinVar aggregate classification (germline): Conflicting classifications of pathogenicity. Review status: criteria provided, conflicting classifications (1 of 4 stars). 2 submissions from 2 submitters: Uncertain significance (1); Benign (1). Last evaluated 2024-12-06.

Conditions:
Hereditary cancer-predisposing syndrome. Also called: Hereditary neoplastic syndrome; Neoplastic Syndromes, Hereditary; Hereditary Cancer Syndrome; Tumor predisposition. Identifiers: Orphanet 140162, MedGen C0027672, MeSH D009386, MONDO:0015356.
Tuberous sclerosis 2 (TSC2). Identifiers: Orphanet 805, MedGen C1860707, MONDO:0013199, OMIM 613254.

Allele frequency attached by ClinVar (database versions not stated): gnomAD exomes below 0.00001 and 0.00001; TOPMed below 0.00001; gnomAD 0.00001.
gnomAD v4.1: 4 of 1,612,030 alleles (0.00025%); highest among the groups gnomAD compares: Admixed American, 0.0017%; no homozygotes.

Submissions (2):

Ambry Genetics
Classification: Uncertain significance for Hereditary cancer-predisposing syndrome. Last evaluated: 2024-12-06. Review status: criteria provided, single submitter. Criteria: Ambry Variant Classification Scheme 2023. Collection method: clinical testing. Allele origin: germline.
Comment: The p.R1289K variant (also known as c.3866G>A), located in coding exon 31 of the TSC2 gene, results from a G to A substitution at nucleotide position 3866. The arginine at codon 1289 is replaced by lysine, an amino acid with highly similar properties. This amino acid position is conserved. In addition, the in silico prediction for this alteration is inconclusive. Since supporting evidence is limited at this time, the clinical significance of this alteration remains unclear.

Labcorp Genetics (formerly Invitae), Labcorp
Classification: Benign for Tuberous sclerosis 2. Last evaluated: 2024-04-16. Review status: criteria provided, single submitter. Criteria: Invitae Variant Classification Sherloc (09022015). Collection method: clinical testing. Allele origin: germline.

NM_000548.5(TSC2):c.3866G>A (p.Arg1289Lys)

Gene: TSC2 (TSC complex subunit 2; plus strand). Cytogenetic location: 16p13.3.
Variant type: single nucleotide variant.
Coding change: c.3866G>A on transcript NM_000548.5 (MANE Select); coding-DNA position 3866, G replaced by A.
Protein change: p.Arg1289Lys; replaces arginine 1289 with lysine.
Molecular consequence: missense variant. On other transcripts: intron variant (6).
Genome position (GRCh38, 1-based): chr16:2,082,487, G>A. VCF-style: chr16-2082487-G-A. GRCh37 (hg19) VCF-style: chr16-2132488-G-A.
Other names: c.3134G>A, p.Arg1045Lys (NM_001318831.2); c.3734G>A, p.Arg1245Lys (NM_001370404.1); c.3737G>A, p.Arg1246Lys (NM_001370405.1, NM_021055.3); c.3814+689G>A (NM_001114382.3); c.3685+689G>A (NM_001363528.2); c.3682+689G>A (NM_001077183.3); c.3574+689G>A (NM_001318827.2); c.3538+689G>A (NM_001318829.2); and 1 more; short protein forms R1289K, R1245K, R1246K, R1045K.
Identifiers: ClinVar variation 572483 (VCV000572483.12), dbSNP rs900604900, ClinGen allele CA276750925.